The following is an entry in ClinVar:

NM_001379500.1(COL18A1):c.3466G>A (p.Ala1156Thr)

Genes: COL18A1 (collagen type XVIII alpha 1 chain; plus strand), SLC19A1 (solute carrier family 19 member 1; minus strand). Cytogenetic location: 21q22.3.
Variant type: single nucleotide variant.
Coding change: c.3466G>A on transcript NM_001379500.1 (MANE Select); coding-DNA position 3466, G replaced by A.
Protein change: p.Ala1156Thr; replaces alanine 1156 with threonine.
Molecular consequence: missense variant.
Genome position (GRCh38, 1-based): chr21:45,509,572, G>A. VCF-style: chr21-45509572-G-A. GRCh37 (hg19) VCF-style: chr21-46929486-G-A.
Other names: NM_130445.2:c.3457G>A; c.3997G>A (NM_030582.3); c.3997G>A, p.Ala1333Thr (NM_030582.4); c.4702G>A, p.Ala1568Thr (NM_130444.3); short protein forms A1333T, A1156T, A1568T.
Identifiers: ClinVar variation 1028544 (VCV001028544.6), dbSNP rs754037826, ClinGen allele CA10067899.

ClinVar aggregate classification (germline): Uncertain significance. Review status: criteria provided, multiple submitters, no conflicts (2 of 4 stars). 3 submissions from 3 submitters: Uncertain significance (2). 1 of the submissions does not count toward it. Last evaluated 2025-10-22.

Conditions:
COL18A1-related disorder. Also called: COL18A1-related disorders; COL18A1-related condition.
Knobloch syndrome (KNO). Also called: Myopia retinal detachment encephalocele; RETINAL DETACHMENT AND OCCIPITAL ENCEPHALOCELE. Identifiers: Orphanet 1571, MedGen C1849409, MONDO:0800166.

Allele frequency attached by ClinVar (database versions not stated): gnomAD exomes 0.00005; ExAC 0.00015.
gnomAD v4.1: 54 of 1,521,116 alleles (0.0036%); highest among the groups gnomAD compares: South Asian, 0.027%; no homozygotes.

Submissions (3):

Labcorp Genetics (formerly Invitae), Labcorp
Classification: Uncertain significance. Last evaluated: 2025-10-22. Review status: criteria provided, single submitter. Criteria: Invitae Variant Classification Sherloc (09022015). Collection method: clinical testing. Allele origin: germline.
Comment: This sequence change replaces alanine, which is neutral and non-polar, with threonine, which is neutral and polar, at codon 1153 of the COL18A1 protein (p.Ala1153Thr). The frequency data for this variant in the population databases is considered unreliable, as metrics indicate poor data quality at this position in the gnomAD database. This variant has not been reported in the literature in individuals affected with COL18A1-related conditions. ClinVar contains an entry for this variant (Variation ID: 1028544). Experimental studies and prediction algorithms are not available or were not evaluated, and the functional significance of this variant is currently unknown. In summary, the available evidence is currently insufficient to determine the role of this variant in disease. Therefore, it has been classified as a Variant of Uncertain Significance.

Baylor Genetics
Classification: Uncertain significance for Knobloch syndrome 1. Last evaluated: 2019-05-03. Review status: criteria provided, single submitter. Criteria: ACMG Guidelines, 2015. Collection method: clinical testing. Allele origin: unknown. Affected: yes.
Comment: This variant was determined to be of uncertain significance according to ACMG Guidelines, 2015 [PMID:25741868].

PreventionGenetics, part of Exact Sciences
Classification: Uncertain significance for COL18A1-related condition. Last evaluated: 2024-08-16. Review status: no assertion criteria provided. Collection method: clinical testing. Allele origin: germline. Not counted in ClinVar's aggregate classification.
Comment: The COL18A1 c.3997G>A variant is predicted to result in the amino acid substitution p.Ala1333Thr. To our knowledge, this variant has not been reported in the literature. This variant is reported in 0.031% of alleles in individuals of South Asian descent in gnomAD. At this time, the clinical significance of this variant is uncertain due to the absence of conclusive functional and genetic evidence.